The following is an entry in ClinVar:

NM_001127178.3(PIGG):c.766G>T (p.Glu256Ter)

Gene: PIGG (phosphatidylinositol glycan anchor biosynthesis class G (EMM blood group); plus strand). Cytogenetic location: 4p16.3.
Variant type: single nucleotide variant.
Coding change: c.766G>T on transcript NM_001127178.3 (MANE Select); coding-DNA position 766, G replaced by T.
Protein change: p.Glu256Ter; replaces glutamic acid 256 with a stop codon.
Molecular consequence: nonsense. On other transcripts: 5 prime UTR variant (3), non-coding transcript variant (10), intron variant (1).
Genome position (GRCh38, 1-based): chr4:508,835, G>T. VCF-style: chr4-508835-G-T. GRCh37 (hg19) VCF-style: chr4-502624-G-T.
Other names: c.499G>T, p.Glu167Ter (NM_001289051.2, NM_001289053.2, NM_001289057.2 and 2 more transcripts); c.367G>T, p.Glu123Ter (NM_001289052.2); c.400G>T, p.Glu134Ter (NM_001289055.2); c.766G>T, p.Glu256Ter (NM_001345989.2, NM_017733.5); c.-860G>T (NM_001345990.2); c.-722G>T (NM_001345991.2); c.-447G>T (NM_001345994.2); c.-129+1242G>T (NM_001345988.2); short protein forms E256*, E134*, E123*, E167*.
Identifiers: ClinVar variation 2797871 (VCV002797871.4), dbSNP rs868977191, ClinGen allele CA355899747.

ClinVar aggregate classification (germline): Pathogenic. Review status: criteria provided, multiple submitters, no conflicts (2 of 4 stars). 2 submissions from 2 submitters: Pathogenic (2). Last evaluated 2025-05-07.

Conditions:
Intellectual disability, autosomal recessive 53 (NEDHSCA). Also called: GLYCOSYLPHOSPHATIDYLINOSITOL BIOSYNTHESIS DEFECT 13; Mental retardation, autosomal recessive 53; NEURODEVELOPMENTAL DISORDER WITH OR WITHOUT HYPOTONIA, SEIZURES, AND CEREBELLAR ATROPHY. Identifiers: Orphanet 488635, MedGen C4310794, MONDO:0014832, OMIM 616917.

Allele frequency attached by ClinVar (database versions not stated): TOPMed below 0.00001.
gnomAD v4.1: 21 of 1,614,012 alleles (0.0013%); highest among the groups gnomAD compares: Non-Finnish European, 0.0015%; no homozygotes.

Submissions (2):

Labcorp Genetics (formerly Invitae), Labcorp
Classification: Pathogenic for Intellectual disability, autosomal recessive 53. Last evaluated: 2025-05-07. Review status: criteria provided, single submitter. Criteria: Invitae Variant Classification Sherloc (09022015). Collection method: clinical testing. Allele origin: germline.
Comment: This sequence change creates a premature translational stop signal (p.Glu256*) in the PIGG gene. It is expected to result in an absent or disrupted protein product. Loss-of-function variants in PIGG are known to be pathogenic (PMID: 26996948, 28581210, 28771251). This variant is not present in population databases (gnomAD no frequency). This variant has not been reported in the literature in individuals affected with PIGG-related conditions. ClinVar contains an entry for this variant (Variation ID: 2797871). Algorithms developed to predict the effect of sequence changes on RNA splicing suggest that this variant may disrupt the consensus splice site. For these reasons, this variant has been classified as Pathogenic.

Women's Health and Genetics/Laboratory Corporation of America, LabCorp
Classification: Pathogenic for Intellectual disability, autosomal recessive 53. Last evaluated: 2025-03-06. Review status: criteria provided, single submitter. Criteria: LabCorp Variant Classification Summary - May 2015. Collection method: clinical testing. Allele origin: germline.
Comment: Variant summary: PIGG c.766G>T (p.Glu256X) results in a premature termination codon, predicted to cause a truncation of the encoded protein or absence of the protein due to nonsense mediated decay, which are commonly known mechanisms for disease. The variant was absent in 251426 control chromosomes. To our knowledge, no occurrence of c.766G>T in individuals affected with Intellectual Disability, Autosomal Recessive 53 and no experimental evidence demonstrating its impact on protein function have been reported. ClinVar contains an entry for this variant (Variation ID: 2797871). Based on the evidence outlined above, the variant was classified as pathogenic.

Literature cited by the submitters: PubMed 26996948 (cited by Labcorp Genetics (formerly Invitae), Labcorp); PubMed 28581210 (cited by Labcorp Genetics (formerly Invitae), Labcorp); PubMed 28771251 (cited by Labcorp Genetics (formerly Invitae), Labcorp).